The following is an entry in ClinVar:

NM_152381.6(XIRP2):c.2223A>G (p.Leu741=)

Gene: XIRP2 (xin actin binding repeat containing 2; plus strand). Cytogenetic location: 2q24.3.
Variant type: single nucleotide variant.
Coding change: c.2223A>G on transcript NM_152381.6 (MANE Select); coding-DNA position 2223, A replaced by G.
Protein change: p.Leu741=; no amino-acid change (leucine 741 retained).
Molecular consequence: synonymous variant. On other transcripts: intron variant (3).
Genome position (GRCh38, 1-based): chr2:167,243,615, A>G. VCF-style: chr2-167243615-A-G. GRCh37 (hg19) VCF-style: chr2-168100125-A-G.
Other names: c.1557A>G, p.Leu519= (NM_001199144.2); c.1275+1705A>G (NM_001199143.2); c.1176+1705A>G (NM_001079810.4); c.510+1705A>G (NM_001199145.2).
Identifiers: ClinVar variation 3058496 (VCV003058496.2), dbSNP rs1158996360, ClinGen allele CA429980299.

ClinVar aggregate classification (germline): Likely benign (0 of 4 stars; one submission).

Conditions:
XIRP2-related disorder. Also called: XIRP2-related condition.

Allele frequency attached by ClinVar (database versions not stated): gnomAD 0.00001; TOPMed 0.00001.

Submission:

PreventionGenetics, part of Exact Sciences
Classification: Likely benign for XIRP2-related condition. Last evaluated: 2019-04-11. Review status: no assertion criteria provided. Collection method: clinical testing. Allele origin: germline.
Comment: This variant is classified as likely benign based on ACMG/AMP sequence variant interpretation guidelines (Richards et al. 2015 PMID: 25741868, with internal and published modifications).